The following is an entry in ClinVar:

ClinVar aggregate classification (germline): Uncertain significance (1 of 4 stars; one submission).

Submission:

Labcorp Genetics (formerly Invitae), Labcorp
Classification: Uncertain significance. Last evaluated: 2023-05-24. Review status: criteria provided, single submitter. Criteria: Invitae Variant Classification Sherloc (09022015). Collection method: clinical testing. Allele origin: germline.
Comment: This sequence change replaces valine, which is neutral and non-polar, with alanine, which is neutral and non-polar, at codon 656 of the CTNNA1 protein (p.Val656Ala). This variant is not present in population databases (gnomAD no frequency). This variant has not been reported in the literature in individuals affected with CTNNA1-related conditions. Advanced modeling of protein sequence and biophysical properties (such as structural, functional, and spatial information, amino acid conservation, physicochemical variation, residue mobility, and thermodynamic stability) performed at Invitae indicates that this missense variant is not expected to disrupt CTNNA1 protein function. In summary, the available evidence is currently insufficient to determine the role of this variant in disease. Therefore, it has been classified as a Variant of Uncertain Significance.

NM_001903.5(CTNNA1):c.1967T>C (p.Val656Ala)

Gene: CTNNA1 (catenin alpha 1; plus strand). Cytogenetic location: 5q31.2.
Variant type: single nucleotide variant.
Coding change: c.1967T>C on transcript NM_001903.5 (MANE Select); coding-DNA position 1967, T replaced by C.
Protein change: p.Val656Ala; replaces valine 656 with alanine.
Molecular consequence: missense variant.
Genome position (GRCh38, 1-based): chr5:138,929,313, T>C. VCF-style: chr5-138929313-T-C. GRCh37 (hg19) VCF-style: chr5-138265002-T-C.
Other names: c.1967T>C, p.Val656Ala (NM_001290307.3, NM_001323982.2, NM_001323983.1 and 2 more transcripts); c.1658T>C, p.Val553Ala (NM_001290309.3); c.1598T>C, p.Val533Ala (NM_001290310.3); c.857T>C, p.Val286Ala (NM_001290312.1, NM_001323987.1, NM_001323988.1 and 17 more transcripts); c.1874T>C, p.Val625Ala (NM_001323986.2); c.518T>C, p.Val173Ala (NM_001324007.1, NM_001324008.1, NM_001324009.1 and 2 more transcripts); c.764T>C, p.Val255Ala (NM_001324011.1); c.614T>C, p.Val205Ala (NM_001324012.1, NM_001324013.1); short protein forms V173A, V255A, V533A, V553A, V656A, V205A, V286A, V625A.
Identifiers: ClinVar variation 2703366 (VCV002703366.3), dbSNP rs2150325093, ClinGen allele CA361132826.